The following is an entry in ClinVar:

ClinVar aggregate classification (germline): Uncertain significance. Review status: criteria provided, multiple submitters, no conflicts (2 of 4 stars). 2 submissions from 2 submitters: Uncertain significance (2). Last evaluated 2024-04-16.

Conditions:
Thrombomodulin-related bleeding disorder (THPH12). Also called: Thrombophilia due to thrombomodulin defect. Identifiers: Orphanet 436169, MedGen C3280976, MONDO:0013775, OMIM 614486.
Atypical hemolytic-uremic syndrome with thrombomodulin anomaly. Also called: HEMOLYTIC UREMIC SYNDROME, ATYPICAL, SUSCEPTIBILITY TO, 6; AHUS, SUSCEPTIBILITY TO, 6. Identifiers: MedGen C2752036, MONDO:0013044, OMIM 612926. Disease mechanism: gain of function.

Allele frequency attached by ClinVar (database versions not stated): TOPMed below 0.00001; gnomAD 0.00001; gnomAD exomes 0.00001; ExAC 0.00004.
gnomAD v4.1: 19 of 1,613,774 alleles (0.0012%); highest among the groups gnomAD compares: Middle Eastern, 0.016%; no homozygotes.

Submissions (2):

Fulgent Genetics
Classification: Uncertain significance for Atypical hemolytic-uremic syndrome with thrombomodulin anomaly; Thrombomodulin-related bleeding disorder. Last evaluated: 2024-04-16. Review status: criteria provided, single submitter. Criteria: ACMG Guidelines, 2015. Collection method: clinical testing. Allele origin: germline.

Labcorp Genetics (formerly Invitae), Labcorp
Classification: Uncertain significance. Last evaluated: 2022-12-14. Review status: criteria provided, single submitter. Criteria: Invitae Variant Classification Sherloc (09022015). Collection method: clinical testing. Allele origin: germline.
Comment: This sequence change replaces alanine, which is neutral and non-polar, with valine, which is neutral and non-polar, at codon 395 of the THBD protein (p.Ala395Val). This variant is present in population databases (rs759926568, gnomAD 0.02%). This variant has not been reported in the literature in individuals affected with THBD-related conditions. Advanced modeling of protein sequence and biophysical properties (such as structural, functional, and spatial information, amino acid conservation, physicochemical variation, residue mobility, and thermodynamic stability) performed at Invitae indicates that this missense variant is not expected to disrupt THBD protein function. In summary, the available evidence is currently insufficient to determine the role of this variant in disease. Therefore, it has been classified as a Variant of Uncertain Significance.

NM_000361.3(THBD):c.1184C>T (p.Ala395Val)

Gene: THBD (thrombomodulin; minus strand). Cytogenetic location: 20p11.21.
Variant type: single nucleotide variant.
Coding change: c.1184C>T on transcript NM_000361.3 (MANE Select); coding-DNA position 1184, C replaced by T.
Protein change: p.Ala395Val; replaces alanine 395 with valine.
Molecular consequence: missense variant.
Genome position (GRCh38, 1-based): chr20:23,048,321, G>A on the plus strand (C>T on the coding strand, the complement: THBD is on the minus strand). VCF-style: chr20-23048321-G-A. GRCh37 (hg19) VCF-style: chr20-23028958-G-A.
Other names: short protein forms A395V.
Identifiers: ClinVar variation 2801906 (VCV002801906.4), dbSNP rs759926568, ClinGen allele CA9787605.